The following is an entry in ClinVar:

ClinVar aggregate classification (germline): Uncertain significance (1 of 4 stars; one submission).

Conditions:
Neurofibromatosis, type 1 (NF1). Also called: Peripheral type neurofibromatosis; Neurofibromatosis, type I; VON RECKLINGHAUSEN DISEASE; NEUROFIBROMATOSIS, TYPE I, SOMATIC. Identifiers: Orphanet 636, MedGen C0027831, MONDO:0018975, OMIM 162200. Disease mechanism: loss of function.

Submission:

Labcorp Genetics (formerly Invitae), Labcorp
Classification: Uncertain significance for Neurofibromatosis, type 1. Last evaluated: 2022-02-18. Review status: criteria provided, single submitter. Criteria: Invitae Variant Classification Sherloc (09022015). Collection method: clinical testing. Allele origin: germline.
Comment: This sequence change replaces lysine, which is basic and polar, with asparagine, which is neutral and polar, at codon 1693 of the NF1 protein (p.Lys1693Asn). This variant is not present in population databases (gnomAD no frequency). This variant has not been reported in the literature in individuals affected with NF1-related conditions. ClinVar contains an entry for this variant (Variation ID: 946790). Advanced modeling of protein sequence and biophysical properties (such as structural, functional, and spatial information, amino acid conservation, physicochemical variation, residue mobility, and thermodynamic stability) performed at Invitae indicates that this missense variant is not expected to disrupt NF1 protein function. In summary, the available evidence is currently insufficient to determine the role of this variant in disease. Therefore, it has been classified as a Variant of Uncertain Significance.

NM_001042492.3(NF1):c.5142A>C (p.Lys1714Asn)

Gene: NF1 (neurofibromin 1; plus strand). Cytogenetic location: 17q11.2.
Variant type: single nucleotide variant.
Coding change: c.5142A>C on transcript NM_001042492.3 (MANE Select); coding-DNA position 5142, A replaced by C.
Protein change: p.Lys1714Asn; replaces lysine 1714 with asparagine.
Molecular consequence: missense variant.
Genome position (GRCh38, 1-based): chr17:31,326,126, A>C. VCF-style: chr17-31326126-A-C. GRCh37 (hg19) VCF-style: chr17-29653144-A-C.
Other names: c.5079A>C, p.Lys1693Asn (NM_000267.4); short protein forms K1693N, K1714N.
Identifiers: ClinVar variation 946790 (VCV000946790.6), dbSNP rs1555533379, ClinGen allele CA399007791.